The following is an entry in ClinVar:

NM_182972.3(IRF2BP2):c.1199C>T (p.Pro400Leu)

Gene: IRF2BP2 (interferon regulatory factor 2 binding protein 2; minus strand). Cytogenetic location: 1q42.3.
Variant type: single nucleotide variant.
Coding change: c.1199C>T on transcript NM_182972.3 (MANE Select); coding-DNA position 1199, C replaced by T.
Protein change: p.Pro400Leu; replaces proline 400 with leucine.
Molecular consequence: missense variant.
Genome position (GRCh38, 1-based): chr1:234,607,702, G>A on the plus strand (C>T on the coding strand, the complement: IRF2BP2 is on the minus strand). VCF-style: chr1-234607702-G-A. GRCh37 (hg19) VCF-style: chr1-234743448-G-A.
Other names: c.1151C>T, p.Pro384Leu (NM_001077397.1); short protein forms P384L, P400L.
Identifiers: ClinVar variation 1384578 (VCV001384578.8), dbSNP rs370061689, ClinGen allele CA1461618.

ClinVar aggregate classification (germline): Uncertain significance (1 of 4 stars; one submission).

Allele frequency attached by ClinVar (database versions not stated): ExAC 0.00002; gnomAD exomes 0.00002; ESP Exome Variant Server 0.00008.
gnomAD v4.1: 8 of 1,614,182 alleles (0.0005%); highest among the groups gnomAD compares: South Asian, 0.0044%; no homozygotes.

Submission:

Labcorp Genetics (formerly Invitae), Labcorp
Classification: Uncertain significance. Last evaluated: 2022-07-26. Review status: criteria provided, single submitter. Criteria: Invitae Variant Classification Sherloc (09022015). Collection method: clinical testing. Allele origin: germline.
Comment: This variant has not been reported in the literature in individuals affected with IRF2BP2-related conditions. This variant is present in population databases (rs370061689, gnomAD 0.01%). This sequence change replaces proline, which is neutral and non-polar, with leucine, which is neutral and non-polar, at codon 400 of the IRF2BP2 protein (p.Pro400Leu). In summary, the available evidence is currently insufficient to determine the role of this variant in disease. Therefore, it has been classified as a Variant of Uncertain Significance. Algorithms developed to predict the effect of missense changes on protein structure and function are either unavailable or do not agree on the potential impact of this missense change (SIFT: "Deleterious"; PolyPhen-2: "Probably Damaging"; Align-GVGD: "Class C15"). ClinVar contains an entry for this variant (Variation ID: 1384578).